The following is an entry in ClinVar:

ClinVar aggregate classification (germline): Uncertain significance. Review status: criteria provided, multiple submitters, no conflicts (2 of 4 stars). 2 submissions from 2 submitters: Uncertain significance (2). Last evaluated 2024-08-27.

Conditions:
Hereditary cancer-predisposing syndrome. Also called: Neoplastic Syndromes, Hereditary; Tumor predisposition; Hereditary neoplastic syndrome; Hereditary Cancer Syndrome. Identifiers: Orphanet 140162, MedGen C0027672, MeSH D009386, MONDO:0015356.
Peutz-Jeghers syndrome (PJS). Also called: POLYPOSIS, HAMARTOMATOUS INTESTINAL; POLYPS-AND-SPOTS SYNDROME; Peutz-Jeghers polyposis; Periorificial lentiginosis syndrome. Identifiers: Orphanet 2869, MedGen C0031269, MeSH D010580, MONDO:0008280, OMIM 175200.

Allele frequency attached by ClinVar (database versions not stated): gnomAD exomes below 0.00001; gnomAD 0.00001.
gnomAD v4.1: 2 of 1,612,706 alleles (0.00012%); highest among the groups gnomAD compares: Non-Finnish European, 0.00017%; no homozygotes.

Submissions (2):

Labcorp Genetics (formerly Invitae), Labcorp
Classification: Uncertain significance for Peutz-Jeghers syndrome. Last evaluated: 2024-08-27. Review status: criteria provided, single submitter. Criteria: Invitae Variant Classification Sherloc (09022015). Collection method: clinical testing. Allele origin: germline.
Comment: This sequence change replaces leucine, which is neutral and non-polar, with phenylalanine, which is neutral and non-polar, at codon 80 of the STK11 protein (p.Leu80Phe). This variant is not present in population databases (gnomAD no frequency). This variant has not been reported in the literature in individuals affected with STK11-related conditions. ClinVar contains an entry for this variant (Variation ID: 527821). Invitae Evidence Modeling of protein sequence and biophysical properties (such as structural, functional, and spatial information, amino acid conservation, physicochemical variation, residue mobility, and thermodynamic stability) has been performed for this missense variant. However, the output from this modeling did not meet the statistical confidence thresholds required to predict the impact of this variant on STK11 protein function. In summary, the available evidence is currently insufficient to determine the role of this variant in disease. Therefore, it has been classified as a Variant of Uncertain Significance.

Ambry Genetics
Classification: Uncertain significance for Hereditary cancer-predisposing syndrome. Last evaluated: 2022-06-16. Review status: criteria provided, single submitter. Criteria: Ambry Variant Classification Scheme 2023. Collection method: clinical testing. Allele origin: germline.
Comment: The p.L80F variant (also known as c.238C>T), located in coding exon 1 of the STK11 gene, results from a C to T substitution at nucleotide position 238. The leucine at codon 80 is replaced by phenylalanine, an amino acid with highly similar properties. This amino acid position is highly conserved in available vertebrate species. In addition, the in silico prediction for this alteration is inconclusive. Since supporting evidence is limited at this time, the clinical significance of this alteration remains unclear.

NM_000455.5(STK11):c.238C>T (p.Leu80Phe)

Gene: STK11 (serine/threonine kinase 11; plus strand). Cytogenetic location: 19p13.3.
Variant type: single nucleotide variant.
Coding change: c.238C>T on transcript NM_000455.5 (MANE Select); coding-DNA position 238, C replaced by T.
Protein change: p.Leu80Phe; replaces leucine 80 with phenylalanine.
Molecular consequence: missense variant.
Genome position (GRCh38, 1-based): chr19:1,207,151, C>T. VCF-style: chr19-1207151-C-T. GRCh37 (hg19) VCF-style: chr19-1207150-C-T.
Other names: short protein forms L80F.
Identifiers: ClinVar variation 527821 (VCV000527821.9), dbSNP rs1131690927, ClinGen allele CA402944458.